The following is an entry in ClinVar:

ClinVar aggregate classification (germline): Uncertain significance. Review status: criteria provided, multiple submitters, no conflicts (2 of 4 stars). 2 submissions from 2 submitters: Uncertain significance (2). Last evaluated 2022-01-25.

gnomAD v4.1: 1 of 1,609,710 alleles (0.000062%); highest among the groups gnomAD compares: Non-Finnish European, 0.000085%; no homozygotes.

Submissions (2):

GeneDx
Classification: Uncertain significance. Last evaluated: 2022-01-25. Review status: criteria provided, single submitter. Criteria: GeneDx Variant Classification Process June 2021. Collection method: clinical testing. Allele origin: germline. Affected: yes.
Comment: Not observed at significant frequency in large population cohorts (gnomAD); In silico analysis supports that this missense variant has a deleterious effect on protein structure/function; Has not been previously published as pathogenic or benign to our knowledge

Labcorp Genetics (formerly Invitae), Labcorp
Classification: Uncertain significance. Last evaluated: 2021-11-23. Review status: criteria provided, single submitter. Criteria: Invitae Variant Classification Sherloc (09022015). Collection method: clinical testing. Allele origin: germline.
Comment: This sequence change replaces phenylalanine, which is neutral and non-polar, with leucine, which is neutral and non-polar, at codon 418 of the COQ8A protein (p.Phe418Leu). This variant is not present in population databases (gnomAD no frequency). This variant has not been reported in the literature in individuals affected with COQ8A-related conditions. Advanced modeling of protein sequence and biophysical properties (such as structural, functional, and spatial information, amino acid conservation, physicochemical variation, residue mobility, and thermodynamic stability) performed at Invitae indicates that this missense variant is expected to disrupt COQ8A protein function. In summary, the available evidence is currently insufficient to determine the role of this variant in disease. Therefore, it has been classified as a Variant of Uncertain Significance.

NM_020247.5(COQ8A):c.1252T>C (p.Phe418Leu)

Gene: COQ8A (coenzyme Q8A; plus strand). Cytogenetic location: 1q42.13.
Variant type: single nucleotide variant.
Coding change: c.1252T>C on transcript NM_020247.5 (MANE Select); coding-DNA position 1252, T replaced by C.
Protein change: p.Phe418Leu; replaces phenylalanine 418 with leucine.
Molecular consequence: missense variant.
Genome position (GRCh38, 1-based): chr1:226,983,850, T>C. VCF-style: chr1-226983850-T-C. GRCh37 (hg19) VCF-style: chr1-227171551-T-C.
Other names: short protein forms F418L.
Identifiers: ClinVar variation 1373434 (VCV001373434.7), dbSNP rs2148131420, ClinGen allele CA345054373.